The following is an entry in ClinVar:

ClinVar aggregate classification (germline): Likely benign. Review status: criteria provided, multiple submitters, no conflicts (2 of 4 stars). 7 submissions from 7 submitters: Likely benign (7). Last evaluated 2026-01-24.

Conditions:
Hereditary cancer-predisposing syndrome. Also called: Tumor predisposition; Hereditary Cancer Syndrome; Neoplastic Syndromes, Hereditary; Hereditary neoplastic syndrome. Identifiers: Orphanet 140162, MedGen C0027672, MeSH D009386, MONDO:0015356.
Ataxia-telangiectasia syndrome (AT). Also called: Cerebello-oculocutaneous telangiectasia; Immunodeficiency with ataxia telangiectasia; Ataxia-telangiectasia; Ataxia-telangiectasia, complementation group D; AT, COMPLEMENTATION GROUP C; ATAXIA-TELANGIECTASIA, COMPLEMENTATION GROUP A. Identifiers: Orphanet 100, MedGen C0004135, MONDO:0008840, OMIM 208900.
Familial cancer of breast. Also called: hereditary breast carcinoma; Hereditary breast cancer; BREAST CANCER, FAMILIAL. Identifiers: Orphanet 227535, MedGen C0346153, MONDO:0016419, OMIM 114480. Disease mechanism: loss of function.

Allele frequency attached by ClinVar (database versions not stated): TOPMed 0.00001.
gnomAD v4.1: 4 of 1,599,844 alleles (0.00025%); no homozygotes.

Submissions (7):

Labcorp Genetics (formerly Invitae), Labcorp
Classification: Likely benign for Ataxia-telangiectasia syndrome. Last evaluated: 2026-01-24. Review status: criteria provided, single submitter. Criteria: Invitae Variant Classification Sherloc (09022015). Collection method: clinical testing. Allele origin: germline.

Center for Genomic Medicine, Rigshospitalet, Copenhagen University Hospital
Classification: Likely benign. Last evaluated: 2025-03-04. Review status: criteria provided, single submitter. Criteria: ACMG Guidelines, 2015. Collection method: clinical testing. Allele origin: germline.

Myriad Genetics, Inc.
Classification: Likely benign for Familial cancer of breast. Last evaluated: 2024-05-13. Review status: criteria provided, single submitter. Criteria: Myriad Autosomal Dominant, Autosomal Recessive and X-Linked Classification Criteria (2023). Collection method: clinical testing. Allele origin: unknown.
Comment: This variant is considered likely benign. This variant is intronic and is not expected to impact mRNA splicing.

Blueprint Genetics
Classification: Likely benign. Last evaluated: 2023-12-22. Review status: criteria provided, single submitter. Criteria: ACMG Guidelines, 2015. Collection method: clinical testing. Allele origin: germline.

KCCC/NGS Laboratory, Kuwait Cancer Control Center
Classification: Likely benign for Familial cancer of breast. Last evaluated: 2023-07-07. Review status: criteria provided, single submitter. Criteria: ACMG Guidelines, 2015. Collection method: clinical testing. Allele origin: germline. Affected: yes.

GeneDx
Classification: Likely benign. Last evaluated: 2019-11-19. Review status: criteria provided, single submitter. Criteria: GeneDx Variant Classification Process June 2021. Collection method: clinical testing. Allele origin: germline. Affected: yes.

Color Diagnostics, LLC DBA Color Health
Classification: Likely benign for Hereditary cancer-predisposing syndrome. Last evaluated: 2017-03-27. Review status: criteria provided, single submitter. Criteria: ACMG Guidelines, 2015. Collection method: clinical testing. Allele origin: germline.

NM_000051.4(ATM):c.3078-12A>T

Gene: ATM (ATM serine/threonine kinase; plus strand). Cytogenetic location: 11q22.3.
Variant type: single nucleotide variant.
Coding change: c.3078-12A>T on transcript NM_000051.4 (MANE Select); 12 bases into the intron before coding-DNA position 3078, A replaced by T.
Molecular consequence: intron variant.
Genome position (GRCh38, 1-based): chr11:108,272,520, A>T. VCF-style: chr11-108272520-A-T. GRCh37 (hg19) VCF-style: chr11-108143247-A-T.
Other names: c.3078-12A>T (NM_001351834.2).
Identifiers: ClinVar variation 490515 (VCV000490515.19), dbSNP rs1555085749, ClinGen allele CA658683769.
Genomic context (GRCh38, chr11:108,272,520, plus strand): 5'-ACCTTTCAGTGAGTTTTCTGAGTGCTTTTATCAGAATGATTATTTAACTTTGGAAAACTT[A>T]CTTGATTTCAGGCATCTAACAAAGGAGAGGAAATATATATTCTCTGTAAGAATGGCCCTA-3'